The following is an entry in ClinVar:

ClinVar aggregate classification (germline): Uncertain significance (1 of 4 stars; one submission).

Conditions:
Pierson syndrome. Also called: MICROCORIA-CONGENITAL NEPHROTIC SYNDROME. Identifiers: Orphanet 2670, MedGen C1836876, MONDO:0012184, OMIM 609049.
LAMB2-related infantile-onset nephrotic syndrome. Also called: NEPHROTIC SYNDROME, TYPE 5, WITHOUT OCULAR ABNORMALITIES; NEPHROTIC SYNDROME, TYPE 5, WITH OCULAR ABNORMALITIES; Nephrotic Syndrome, type 5. Identifiers: Orphanet 306507, MedGen C3280113, MONDO:0013621, OMIM 614199.

Allele frequency attached by ClinVar (database versions not stated): ExAC 0.00001; gnomAD 0.00001; TOPMed 0.00001; gnomAD exomes 0.00001 and 0.00003.
gnomAD v4.1: 22 of 1,613,200 alleles (0.0014%); highest among the groups gnomAD compares: Non-Finnish European, 0.0018%; no homozygotes.

Submission:

Labcorp Genetics (formerly Invitae), Labcorp
Classification: Uncertain significance for LAMB2-related infantile-onset nephrotic syndrome; Pierson syndrome. Last evaluated: 2021-09-01. Review status: criteria provided, single submitter. Criteria: Invitae Variant Classification Sherloc (09022015). Collection method: clinical testing. Allele origin: germline.
Comment: This sequence change replaces glycine with arginine at codon 1243 of the LAMB2 protein (p.Gly1243Arg). The glycine residue is moderately conserved and there is a moderate physicochemical difference between glycine and arginine. This variant is present in population databases (rs755874006, ExAC 0.002%). This missense change has been observed in individual(s) with Pierson syndrome (PMID: 20556798). Algorithms developed to predict the effect of missense changes on protein structure and function are either unavailable or do not agree on the potential impact of this missense change (SIFT: "Deleterious"; PolyPhen-2: "Benign"; Align-GVGD: "Class C0"). In summary, the available evidence is currently insufficient to determine the role of this variant in disease. Therefore, it has been classified as a Variant of Uncertain Significance.

Literature cited by the submitters: PubMed 20556798.

NM_002292.4(LAMB2):c.3727G>C (p.Gly1243Arg)

Gene: LAMB2 (laminin subunit beta 2; minus strand). Cytogenetic location: 3p21.31.
Variant type: single nucleotide variant.
Coding change: c.3727G>C on transcript NM_002292.4 (MANE Select); coding-DNA position 3727, G replaced by C.
Protein change: p.Gly1243Arg; replaces glycine 1243 with arginine.
Molecular consequence: missense variant.
Genome position (GRCh38, 1-based): chr3:49,123,798, C>G on the plus strand (G>C on the coding strand, the complement: LAMB2 is on the minus strand). VCF-style: chr3-49123798-C-G. GRCh37 (hg19) VCF-style: chr3-49161231-C-G.
Other names: short protein forms G1243R.
Identifiers: ClinVar variation 655401 (VCV000655401.3), dbSNP rs755874006, ClinGen allele CA2393979.